The following is an entry in ClinVar:

ClinVar aggregate classification (germline): Uncertain significance (1 of 4 stars; one submission).

Conditions:
Cardiovascular phenotype. Identifiers: MedGen CN230736.

Submission:

Ambry Genetics
Classification: Uncertain significance for Cardiovascular phenotype. Last evaluated: 2025-05-06. Review status: criteria provided, single submitter. Criteria: Ambry Variant Classification Scheme 2023. Collection method: clinical testing. Allele origin: germline.
Comment: The p.V1435L variant (also known as c.4303G>C), located in coding exon 25 of the FLNC gene, results from a G to C substitution at nucleotide position 4303. The valine at codon 1435 is replaced by leucine, an amino acid with highly similar properties. This amino acid position is highly conserved in available vertebrate species. In addition, this alteration is predicted to be deleterious by in silico analysis. Since supporting evidence is limited at this time, the clinical significance of this alteration remains unclear.

NM_001458.5(FLNC):c.4303G>C (p.Val1435Leu)

Gene: FLNC (filamin C; plus strand). Cytogenetic location: 7q32.1.
Variant type: single nucleotide variant.
Coding change: c.4303G>C on transcript NM_001458.5 (MANE Select); coding-DNA position 4303, G replaced by C.
Protein change: p.Val1435Leu; replaces valine 1435 with leucine.
Molecular consequence: missense variant.
Genome position (GRCh38, 1-based): chr7:128,847,711, G>C. VCF-style: chr7-128847711-G-C. GRCh37 (hg19) VCF-style: chr7-128487765-G-C.
Other names: c.4303G>C, p.Val1435Leu (NM_001127487.2); short protein forms V1435L.
Identifiers: ClinVar variation 1739574 (VCV001739574.3), dbSNP rs370643162, ClinGen allele CA369201094.